The following is an entry in ClinVar:

ClinVar aggregate classification (germline): Pathogenic (1 of 4 stars; one submission).

Submission:

Labcorp Genetics (formerly Invitae), Labcorp
Classification: Pathogenic. Last evaluated: 2022-07-08. Review status: criteria provided, single submitter. Criteria: Invitae Variant Classification Sherloc (09022015). Collection method: clinical testing. Allele origin: germline.
Comment: This sequence change creates a premature translational stop signal (p.Gln610Argfs*135) in the PCARE gene. It is expected to result in an absent or disrupted protein product. Loss-of-function variants in PCARE are known to be pathogenic (PMID: 20398886, 24339724, 26496393). This variant is present in population databases (no rsID available, gnomAD 0.007%). This variant has not been reported in the literature in individuals affected with PCARE-related conditions. For these reasons, this variant has been classified as Pathogenic.

Literature cited by the submitters: PubMed 20398886; PubMed 24339724; PubMed 26496393.

NM_001029883.3(PCARE):c.1827del (p.Gln610fs)

Gene: PCARE (photoreceptor cilium actin regulator; minus strand). Cytogenetic location: 2p23.2.
Variant type: Deletion.
Coding change: c.1827del on transcript NM_001029883.3 (MANE Select); coding-DNA position 1827, one base deleted (T; older notation c.1827delT).
Protein change: p.Gln610fs; shifts the reading frame from glutamine 610.
Molecular consequence: frameshift variant.
Genome position (GRCh38, 1-based): chr2:29,072,435, A deleted on the plus strand (T on the coding strand, the reverse complement: PCARE is on the minus strand); the first of 3 consecutive A bases (chr2:29,072,435-29,072,437); deleting any one gives the same sequence. VCF-style (leftmost placement, unchanged base first): chr2-29072434-GA-G. GRCh37 (hg19) VCF-style: chr2-29295300-GA-G.
Other names: short protein forms Q610fs.
Identifiers: ClinVar variation 2105896 (VCV002105896.4), dbSNP rs1307520072, ClinGen allele CA531766666.